The following is an entry in ClinVar:

NM_000540.3(RYR1):c.8232-6C>T

Gene: RYR1 (ryanodine receptor 1; plus strand). Cytogenetic location: 19q13.2.
Variant type: single nucleotide variant.
Coding change: c.8232-6C>T on transcript NM_000540.3 (MANE Select); 6 bases into the intron before coding-DNA position 8232, C replaced by T.
Molecular consequence: intron variant.
Genome position (GRCh38, 1-based): chr19:38,504,997, C>T. VCF-style: chr19-38504997-C-T. GRCh37 (hg19) VCF-style: chr19-38995637-C-T.
Other names: c.8232-6C>T (NM_001042723.2).
Identifiers: ClinVar variation 2917417 (VCV002917417.4), dbSNP rs780160388, ClinGen allele CA071721.

ClinVar aggregate classification (germline): Likely benign. Review status: criteria provided, multiple submitters, no conflicts (2 of 4 stars). 2 submissions from 2 submitters: Likely benign (2). Last evaluated 2023-02-24.

Conditions:
RYR1-related disorder. Also called: RYR1-related disorders; RYR1-related condition. Identifiers: MedGen CN239331.
Malignant hyperthermia, susceptibility to, 1 (MHS1). Also called: Malignant hyperthermia suceptibility 1; Anesthesia related hyperthermia; Malignant hyperpyrexia; Fulminating hyperpyrexia; Pharmacogenic myopathy; RYR1-Related Malignant Hyperthermia Susceptibility. Identifiers: Orphanet 423, MedGen C2930980, MONDO:0007783, OMIM 145600.

Allele frequency attached by ClinVar (database versions not stated): TOPMed below 0.00001; ExAC 0.00001; gnomAD 0.00001.
gnomAD v4.1: 1 of 1,613,994 alleles (0.000062%); highest among the groups gnomAD compares: Non-Finnish European, 0.000085%; no homozygotes.

Submissions (2):

All of Us Research Program, National Institutes of Health
Classification: Likely benign for Malignant hyperthermia, susceptibility to, 1. Last evaluated: 2023-02-24. Review status: criteria provided, single submitter. Criteria: ACMG Guidelines, 2015. Collection method: clinical testing. Allele origin: germline. Inheritance: Autosomal dominant inheritance. Observed: 2 variant alleles, 2 heterozygotes.
Comment: This study involves interpretation of variants in research participants for the purpose of population health screening. Participant phenotype was not available at the time of variant classification. Additional details can be found in publication PMID: 35346344, PMCID: PMC8962531

Labcorp Genetics (formerly Invitae), Labcorp
Classification: Likely benign for RYR1-related disorder. Last evaluated: 2023-01-23. Review status: criteria provided, single submitter. Criteria: Invitae Variant Classification Sherloc (09022015). Collection method: clinical testing. Allele origin: germline.